The following is an entry in ClinVar:

NM_032043.3(BRIP1):c.2728G>C (p.Glu910Gln)

Gene: BRIP1 (BRCA1 interacting DNA helicase 1; minus strand). Cytogenetic location: 17q23.2.
Variant type: single nucleotide variant.
Coding change: c.2728G>C on transcript NM_032043.3 (MANE Select); coding-DNA position 2728, G replaced by C.
Protein change: p.Glu910Gln; replaces glutamic acid 910 with glutamine.
Molecular consequence: missense variant.
Genome position (GRCh38, 1-based): chr17:61,686,013, C>G on the plus strand (G>C on the coding strand, the complement: BRIP1 is on the minus strand). VCF-style: chr17-61686013-C-G. GRCh37 (hg19) VCF-style: chr17-59763374-C-G.
Other names: short protein forms E910Q.
Identifiers: ClinVar variation 418098 (VCV000418098.15), dbSNP rs1007808618, ClinGen allele CA16620513.
Genomic context (GRCh38, chr17:61,686,013, plus strand): 5'-ATAGATGACTTGCTGCTTCCAGTAAATAAGGTGAGGTACTGTACTTTAAAGAGGTCACTT[C>G]AAGTGTAGACTCATTGTCCTGTATATTGGTTCTGTCCTTTATGGATACATTAAGAACTTT-3'
Protein context (NP_114432.2, residues 900-920): TNIQDNESTL[Glu910Gln]VTSLKYSTSP

ClinVar aggregate classification (germline): Uncertain significance. Review status: criteria provided, multiple submitters, no conflicts (2 of 4 stars). 3 submissions from 3 submitters: Uncertain significance (3). Last evaluated 2025-06-22.

Conditions:
Fanconi anemia complementation group J. Also called: BRIP1-Related Fanconi Anemia. Identifiers: Orphanet 84, MedGen C1836860, MONDO:0012187, OMIM 609054.
Familial cancer of breast. Also called: Hereditary breast cancer; BREAST CANCER, FAMILIAL; hereditary breast carcinoma. Identifiers: Orphanet 227535, MedGen C0346153, MONDO:0016419, OMIM 114480. Disease mechanism: loss of function.
Hereditary cancer-predisposing syndrome. Also called: Tumor predisposition; Neoplastic Syndromes, Hereditary; Hereditary Cancer Syndrome; Hereditary neoplastic syndrome. Identifiers: Orphanet 140162, MedGen C0027672, MeSH D009386, MONDO:0015356.

gnomAD v4.1: 4 of 1,614,018 alleles (0.00025%); highest among the groups gnomAD compares: Non-Finnish European, 0.00034%; no homozygotes.

Submissions (3):

Labcorp Genetics (formerly Invitae), Labcorp
Classification: Uncertain significance for Familial cancer of breast; Fanconi anemia complementation group J. Last evaluated: 2025-06-22. Review status: criteria provided, single submitter. Criteria: Invitae Variant Classification Sherloc (09022015). Collection method: clinical testing. Allele origin: germline.
Comment: This sequence change replaces glutamic acid, which is acidic and polar, with glutamine, which is neutral and polar, at codon 910 of the BRIP1 protein (p.Glu910Gln). This variant is not present in population databases (gnomAD no frequency). This variant has not been reported in the literature in individuals affected with BRIP1-related conditions. ClinVar contains an entry for this variant (Variation ID: 418098). Invitae Evidence Modeling of protein sequence and biophysical properties (such as structural, functional, and spatial information, amino acid conservation, physicochemical variation, residue mobility, and thermodynamic stability) indicates that this missense variant is not expected to disrupt BRIP1 protein function with a negative predictive value of 95%. In summary, the available evidence is currently insufficient to determine the role of this variant in disease. Therefore, it has been classified as a Variant of Uncertain Significance.

Ambry Genetics
Classification: Uncertain significance for Hereditary cancer-predisposing syndrome. Last evaluated: 2024-02-10. Review status: criteria provided, single submitter. Criteria: Ambry Variant Classification Scheme 2023. Collection method: clinical testing. Allele origin: germline.
Comment: The p.E910Q variant (also known as c.2728G>C), located in coding exon 18 of the BRIP1 gene, results from a G to C substitution at nucleotide position 2728. The glutamic acid at codon 910 is replaced by glutamine, an amino acid with highly similar properties. This amino acid position is not well conserved in available vertebrate species. In addition, this alteration is predicted to be tolerated by in silico analysis. Since supporting evidence is limited at this time, the clinical significance of this alteration remains unclear.

GeneDx
Classification: Uncertain significance. Last evaluated: 2015-02-03. Review status: criteria provided, single submitter. Criteria: GeneDx Variant Classification (06012015). Collection method: clinical testing. Allele origin: germline. Affected: yes.
Comment: This variant is denoted BRIP1 c.2728G>C at the cDNA level, p.Glu910Gln (E910Q) at the protein level, and results in the change of a Glutamic Acid to a Glutamine (GAA>CAA). This variant has not, to our knowledge, been published in the literature as pathogenic or benign. BRIP1 Glu910Gln was not observed in approximately 6,500 individuals of European and African American ancestry in the NHLBI Exome Sequencing Project, indicating it is not a common benign variant in these populations. Since Glutamic Acid and Glutamine differ in some properties, this is considered a semi-conservative amino acid substitution. BRIP1 Glu910Gln occurs at a position that is poorly conserved across species and is located in the BRCA1 interaction region (UniProt, Cantor 2011). In silico analyses predict that this variant is unlikely to alter protein structure or function. Based on currently available information, it is unclear whether BRIP1 Glu910Gln is pathogenic or benign. We consider it to be a variant of uncertain significance.